The following is an entry in ClinVar:

NM_001146.5(ANGPT1):c.1104G>C (p.Gln368His)

Gene: ANGPT1 (angiopoietin 1; minus strand). Cytogenetic location: 8q23.1.
Variant type: single nucleotide variant.
Coding change: c.1104G>C on transcript NM_001146.5 (MANE Select); coding-DNA position 1104, G replaced by C.
Protein change: p.Gln368His; replaces glutamine 368 with histidine.
Molecular consequence: missense variant.
Genome position (GRCh38, 1-based): chr8:107,284,783, C>G on the plus strand (G>C on the coding strand, the complement: ANGPT1 is on the minus strand). VCF-style: chr8-107284783-C-G. GRCh37 (hg19) VCF-style: chr8-108297011-C-G.
Other names: c.1101G>C, p.Gln367His (NM_001199859.3); c.504G>C, p.Gln168His (NM_001314051.2); short protein forms Q168H, Q368H, Q367H.
Identifiers: ClinVar variation 3729864 (VCV003729864.2).

ClinVar aggregate classification (germline): Uncertain significance (1 of 4 stars; one submission).

gnomAD v4.1: 1 of 1,611,590 alleles (0.000062%); highest among the groups gnomAD compares: Non-Finnish European, 0.000085%; no homozygotes.

Submission:

Labcorp Genetics (formerly Invitae), Labcorp
Classification: Uncertain significance. Last evaluated: 2025-01-30. Review status: criteria provided, single submitter. Criteria: Invitae Variant Classification Sherloc (09022015). Collection method: clinical testing. Allele origin: germline.
Comment: This sequence change replaces glutamine, which is neutral and polar, with histidine, which is basic and polar, at codon 368 of the ANGPT1 protein (p.Gln368His). This variant is not present in population databases (gnomAD no frequency). This variant has not been reported in the literature in individuals affected with ANGPT1-related conditions. An algorithm developed to predict the effect of missense changes on protein structure and function outputs the following: PolyPhen-2: "Benign". The histidine amino acid residue is found in multiple mammalian species, which suggests that this missense change does not adversely affect protein function. In summary, the available evidence is currently insufficient to determine the role of this variant in disease. Therefore, it has been classified as a Variant of Uncertain Significance.